The following is an entry in ClinVar:

NM_001130438.3(SPTAN1):c.6794G>C (p.Ser2265Thr)

Gene: SPTAN1 (spectrin alpha, non-erythrocytic 1; plus strand). Cytogenetic location: 9q34.11.
Variant type: single nucleotide variant.
Coding change: c.6794G>C on transcript NM_001130438.3 (MANE Select); coding-DNA position 6794, G replaced by C.
Protein change: p.Ser2265Thr; replaces serine 2265 with threonine.
Molecular consequence: missense variant.
Genome position (GRCh38, 1-based): chr9:128,632,158, G>C. VCF-style: chr9-128632158-G-C. GRCh37 (hg19) VCF-style: chr9-131394437-G-C.
Other names: p.S2265T:AGT>ACT; c.6719G>C, p.Ser2240Thr (NM_001195532.2); c.6857G>C, p.Ser2286Thr (NM_001363759.2); c.6734G>C, p.Ser2245Thr (NM_001363765.2); c.6779G>C, p.Ser2260Thr (NM_003127.4); short protein forms S2265T, S2240T, S2260T, S2286T, S2245T.
Identifiers: ClinVar variation 207358 (VCV000207358.4), dbSNP rs796053326, ClinGen allele CA318745.

ClinVar aggregate classification (germline): Uncertain significance. Review status: criteria provided, multiple submitters, no conflicts (2 of 4 stars). 2 submissions from 2 submitters: Uncertain significance (2). Last evaluated 2025-01-25.

Conditions:
Early-infantile DEE. Also called: Ohtahara syndrome; Early infantile epileptic encephalopathy; Early infantile epileptic encephalopathy with suppression bursts. Identifiers: Orphanet 1934, MedGen C0393706, MONDO:0800491.

Allele frequency attached by ClinVar (database versions not stated): gnomAD exomes 0.00001; gnomAD 0.00001; TOPMed 0.00001.
gnomAD v4.1: 8 of 1,613,388 alleles (0.0005%); highest among the groups gnomAD compares: African/African-American, 0.0013%; no homozygotes.

Submissions (2):

Labcorp Genetics (formerly Invitae), Labcorp
Classification: Uncertain significance for Early-infantile DEE. Last evaluated: 2025-01-25. Review status: criteria provided, single submitter. Criteria: Invitae Variant Classification Sherloc (09022015). Collection method: clinical testing. Allele origin: germline.
Comment: This sequence change replaces serine, which is neutral and polar, with threonine, which is neutral and polar, at codon 2265 of the SPTAN1 protein (p.Ser2265Thr). This variant is not present in population databases (gnomAD no frequency). This variant has not been reported in the literature in individuals affected with SPTAN1-related conditions. ClinVar contains an entry for this variant (Variation ID: 207358). Invitae Evidence Modeling of protein sequence and biophysical properties (such as structural, functional, and spatial information, amino acid conservation, physicochemical variation, residue mobility, and thermodynamic stability) has been performed for this missense variant. However, the output from this modeling did not meet the statistical confidence thresholds required to predict the impact of this variant on SPTAN1 protein function. In summary, the available evidence is currently insufficient to determine the role of this variant in disease. Therefore, it has been classified as a Variant of Uncertain Significance.

GeneDx
Classification: Uncertain significance. Last evaluated: 2015-03-12. Review status: criteria provided, single submitter. Criteria: GeneDx Variant Classification (06012015). Collection method: clinical testing. Allele origin: germline. Affected: yes.
Comment: p.Ser2265Thr (AGT>ACT): c.6794 G>C in exon 53 of the SPTAN1 gene (NM_001130438.1) The Ser2265Thr missense change has not been published as a mutation, nor has it been reported as a benign polymorphism to our knowledge. It was not observed in approximately 6,500 individuals of European and African American ancestry in the NHLBI Exome Sequencing Project, indicating it is not a common benign variant in these populations. The amino acid substitution is conservative as both Serine and Threonine are uncharged, polar amino acid residues. Ser2265Thr alters a highly conserved position in the 23rd spectrin repeat of the alpha-II protein, where most of the pathogenic mutations in the SPTAN1 gene have been reported previously. However, these pathogenic mutations are in frame deletions or duplications and missense mutations in this region have not been reported, to our knowledge. In addition, in-silico algorithms are not consistent in their predictions of whether Ser2265Thr is damaging to the structure/function of the protein. Therefore, based on the currently available information, it is unclear whether Ser2265Thr is a disease-causing mutation or a rare benign variant. The variant is found in CHILD-EPI panel(s).